The following is an entry in ClinVar:

ClinVar aggregate classification (germline): Conflicting classifications of pathogenicity. Review status: criteria provided, conflicting classifications (1 of 4 stars). 3 submissions from 3 submitters: Uncertain significance (1); Benign (2). Last evaluated 2026-01-26.

Conditions:
Fructose-biphosphatase deficiency (FBP1D). Also called: Fructose-1,6-Bisphosphatase 1 Deficiency; Fructose 1,6 Bisphosphatase Deficiency; Fructose-1,6-Diphosphatase Deficiency. Identifiers: Orphanet 348, MedGen C0016756, MONDO:0009251, OMIM 229700.

Allele frequency attached by ClinVar (database versions not stated): ESP Exome Variant Server 0.00015; TOPMed 0.00031; ExAC 0.00200; gnomAD 0.00398; 1000 Genomes Project 0.00200; 1000 Genomes Project 30x 0.00203.
gnomAD v4.1: 1,990 of 1,614,158 alleles (0.12%); highest among the groups gnomAD compares: East Asian, 0.24%; 30 homozygotes.

Submissions (3):

Labcorp Genetics (formerly Invitae), Labcorp
Classification: Benign for Fructose-biphosphatase deficiency. Last evaluated: 2026-01-26. Review status: criteria provided, single submitter. Criteria: Invitae Variant Classification Sherloc (09022015). Collection method: clinical testing. Allele origin: germline.

Illumina Laboratory Services, Illumina
Classification: Uncertain significance for Fructose-biphosphatase deficiency. Last evaluated: 2018-01-13. Review status: criteria provided, single submitter. Criteria: ICSL Variant Classification Criteria 13 December 2019. Collection method: clinical testing. Allele origin: germline.

GeneDx
Classification: Benign. Last evaluated: 2014-04-17. Review status: criteria provided, single submitter. Criteria: GeneDx Variant Classification (06012015). Collection method: clinical testing. Allele origin: germline. Affected: yes.
Comment: This variant is considered likely benign or benign based on one or more of the following criteria: it is a conservative change, it occurs at a poorly conserved position in the protein, it is predicted to be benign by multiple in silico algorithms, and/or has population frequency not consistent with disease.

NM_000507.4(FBP1):c.237C>T (p.Asn79=)

Gene: FBP1 (fructose-bisphosphatase 1; minus strand). Cytogenetic location: 9q22.32.
Variant type: single nucleotide variant.
Coding change: c.237C>T on transcript NM_000507.4 (MANE Select); coding-DNA position 237, C replaced by T.
Protein change: p.Asn79=; no amino-acid change (asparagine 79 retained).
Molecular consequence: synonymous variant.
Genome position (GRCh38, 1-based): chr9:94,620,425, G>A on the plus strand (C>T on the coding strand, the complement: FBP1 is on the minus strand). VCF-style: chr9-94620425-G-A. GRCh37 (hg19) VCF-style: chr9-97382707-G-A.
Other names: p.N79N:AAC>AAT; c.237C>T, p.Asn79= (NM_001127628.2).
Identifiers: ClinVar variation 137363 (VCV000137363.16), dbSNP rs201591116, ClinGen allele CA290915.
Genomic context (GRCh38, chr9:94,620,425, plus strand): 5'-TTCTTCTGACACGAGAACACACGTGGCAAAGGATGACTTTAACATGTTCATAACCAGGTC[G>A]TTGGAGAGGACGTCCAGCTTCTTAACTTGATCACCTGTCACGTTGGTAGAACCAGCAATG-3'
Protein context (NP_000498.2, residues 69-89): DQVKKLDVLS[Asn79=]DLVMNMLKSS